The following is an entry in ClinVar:

NM_001252024.2(TRPM1):c.3287T>G (p.Val1096Gly)

Genes: TRPM1 (transient receptor potential cation channel subfamily M member 1; minus strand), TRPM1-AS1 (TRPM1 antisense RNA 1; plus strand). Cytogenetic location: 15q13.3.
Variant type: single nucleotide variant.
Coding change: c.3287T>G on transcript NM_001252024.2 (MANE Select); coding-DNA position 3287, T replaced by G.
Protein change: p.Val1096Gly; replaces valine 1096 with glycine.
Molecular consequence: missense variant.
Genome position (GRCh38, 1-based): chr15:31,028,338, A>C on the plus strand (T>G on the coding strand, the complement: TRPM1 is on the minus strand). VCF-style: chr15-31028338-A-C. GRCh37 (hg19) VCF-style: chr15-31320541-A-C.
Other names: c.3338T>G, p.Val1113Gly (NM_001252020.2); c.3221T>G, p.Val1074Gly (NM_002420.6); c.3221T>G (NM_002420.4); short protein forms V1096G, V1113G, V1074G.
Identifiers: ClinVar variation 1917065 (VCV001917065.3), dbSNP rs776540890, ClinGen allele CA7451937.

ClinVar aggregate classification (germline): Uncertain significance. Review status: criteria provided, multiple submitters, no conflicts (2 of 4 stars). 2 submissions from 2 submitters: Uncertain significance (2). Last evaluated 2024-06-11.

Conditions:
Inborn genetic diseases. Identifiers: MedGen C0950123, MeSH D030342.

Allele frequency attached by ClinVar (database versions not stated): ExAC 0.00001.
gnomAD v4.1: 9 of 1,614,226 alleles (0.00056%); highest among the groups gnomAD compares: Non-Finnish European, 0.00076%; no homozygotes.

Submissions (2):

Ambry Genetics
Classification: Uncertain significance for Inborn genetic diseases. Last evaluated: 2024-06-11. Review status: criteria provided, single submitter. Criteria: Ambry Variant Classification Scheme 2023. Collection method: clinical testing. Allele origin: germline.

Labcorp Genetics (formerly Invitae), Labcorp
Classification: Uncertain significance. Last evaluated: 2022-08-22. Review status: criteria provided, single submitter. Criteria: Invitae Variant Classification Sherloc (09022015). Collection method: clinical testing. Allele origin: germline.
Comment: This sequence change replaces valine, which is neutral and non-polar, with glycine, which is neutral and non-polar, at codon 1074 of the TRPM1 protein (p.Val1074Gly). This variant is present in population databases (rs776540890, gnomAD 0.0009%). This variant has not been reported in the literature in individuals affected with TRPM1-related conditions. Algorithms developed to predict the effect of missense changes on protein structure and function (SIFT, PolyPhen-2, Align-GVGD) all suggest that this variant is likely to be disruptive. In summary, the available evidence is currently insufficient to determine the role of this variant in disease. Therefore, it has been classified as a Variant of Uncertain Significance.